The following is an entry in ClinVar:

ClinVar aggregate classification (germline): Uncertain significance. Review status: criteria provided, multiple submitters, no conflicts (2 of 4 stars). 2 submissions from 2 submitters: Uncertain significance (2). Last evaluated 2025-03-17.

Conditions:
Inborn genetic diseases. Identifiers: MedGen C0950123, MeSH D030342.

Allele frequency attached by ClinVar (database versions not stated): gnomAD 0.00001; gnomAD exomes 0.00001; TOPMed 0.00001; ESP Exome Variant Server 0.00009.
gnomAD v4.1: 6 of 1,611,496 alleles (0.00037%); highest among the groups gnomAD compares: Non-Finnish European, 0.00051%; no homozygotes.

Submissions (2):

Labcorp Genetics (formerly Invitae), Labcorp
Classification: Uncertain significance. Last evaluated: 2025-03-17. Review status: criteria provided, single submitter. Criteria: Invitae Variant Classification Sherloc (09022015). Collection method: clinical testing. Allele origin: germline.
Comment: This sequence change replaces serine, which is neutral and polar, with isoleucine, which is neutral and non-polar, at codon 768 of the DNA2 protein (p.Ser768Ile). This variant is present in population databases (rs370273531, gnomAD 0.002%). This variant has not been reported in the literature in individuals affected with DNA2-related conditions. ClinVar contains an entry for this variant (Variation ID: 2332140). Invitae Evidence Modeling of protein sequence and biophysical properties (such as structural, functional, and spatial information, amino acid conservation, physicochemical variation, residue mobility, and thermodynamic stability) indicates that this missense variant is not expected to disrupt DNA2 protein function with a negative predictive value of 80%. In summary, the available evidence is currently insufficient to determine the role of this variant in disease. Therefore, it has been classified as a Variant of Uncertain Significance.

Ambry Genetics
Classification: Uncertain significance for Inborn genetic diseases. Last evaluated: 2022-12-02. Review status: criteria provided, single submitter. Criteria: Ambry Variant Classification Scheme 2023. Collection method: clinical testing. Allele origin: germline.

NM_001080449.3(DNA2):c.2303G>T (p.Ser768Ile)

Gene: DNA2 (DNA replication helicase/nuclease 2; minus strand). Cytogenetic location: 10q21.3.
Variant type: single nucleotide variant.
Coding change: c.2303G>T on transcript NM_001080449.3 (MANE Select); coding-DNA position 2303, G replaced by T.
Protein change: p.Ser768Ile; replaces serine 768 with isoleucine.
Molecular consequence: missense variant. On other transcripts: non-coding transcript variant (1).
Genome position (GRCh38, 1-based): chr10:68,422,796, C>A on the plus strand (G>T on the coding strand, the complement: DNA2 is on the minus strand). VCF-style: chr10-68422796-C-A. GRCh37 (hg19) VCF-style: chr10-70182553-C-A.
Other names: short protein forms S768I.
Identifiers: ClinVar variation 2332140 (VCV002332140.4), dbSNP rs370273531, ClinGen allele CA208194685.